The following is an entry in ClinVar:

ClinVar aggregate classification (germline): Likely benign (1 of 4 stars; one submission).

Allele frequency attached by ClinVar (database versions not stated): gnomAD 0.00124.

Submission:

CeGaT Center for Human Genetics Tuebingen
Classification: Likely benign. Last evaluated: 2024-02-01. Review status: criteria provided, single submitter. Criteria: CeGaT Center For Human Genetics Tuebingen Variant Classification Criteria Version 2. Collection method: clinical testing. Allele origin: germline. Affected: yes. Observed: 3 variant alleles.
Comment: CFHR3: BS2; ENSG00000289697: BS2

NM_021023.6(CFHR3):c.796+772A>T

Gene: CFHR3 (complement factor H related 3; plus strand). Cytogenetic location: 1q31.3.
Variant type: single nucleotide variant.
Coding change: c.796+772A>T on transcript NM_021023.6 (MANE Select); 772 bases into the intron after coding-DNA position 796, A replaced by T.
Molecular consequence: intron variant.
Genome position (GRCh38, 1-based): chr1:196,790,999, A>T. VCF-style: chr1-196790999-A-T. GRCh37 (hg19) VCF-style: chr1-196760129-A-T.
Other names: c.613+772A>T (NM_001166624.2).
Identifiers: ClinVar variation 2639690 (VCV002639690.23), dbSNP rs760772571, ClinGen allele CA35836463.